The following is an entry in ClinVar:

NM_001166114.2(PNPLA6):c.469G>T (p.Ala157Ser)

Gene: PNPLA6 (patatin like domain 6, lysophospholipase; plus strand). Cytogenetic location: 19p13.2.
Variant type: single nucleotide variant.
Coding change: c.469G>T on transcript NM_001166114.2 (MANE Select); coding-DNA position 469, G replaced by T.
Protein change: p.Ala157Ser; replaces alanine 157 with serine.
Molecular consequence: missense variant.
Genome position (GRCh38, 1-based): chr19:7,539,973, G>T. VCF-style: chr19-7539973-G-T. GRCh37 (hg19) VCF-style: chr19-7604859-G-T.
Other names: p.Ala118Ser; c.496G>T, p.Ala166Ser (NM_001166111.2); c.352G>T, p.Ala118Ser (NM_001166112.2, NM_001166113.1, NM_006702.5); short protein forms A118S, A166S, A157S.
Identifiers: ClinVar variation 1047195 (VCV001047195.12), dbSNP rs767940871, ClinGen allele CA9139472.

ClinVar aggregate classification (germline): Uncertain significance. Review status: criteria provided, multiple submitters, no conflicts (2 of 4 stars). 2 submissions from 2 submitters: Uncertain significance (2). Last evaluated 2021-09-20.

Conditions:
Hereditary spastic paraplegia 39 (SPG39). Also called: Spastic Paraplegia Type 39 (SPG39); SPASTIC PARAPLEGIA 39, AUTOSOMAL RECESSIVE. Identifiers: Orphanet 139480, MedGen C2677586, MONDO:0012787, OMIM 612020.

gnomAD v4.1: 14 of 1,578,452 alleles (0.00089%); highest among the groups gnomAD compares: Admixed American, 0.0018%; no homozygotes.

Submissions (2):

Mayo Clinic Laboratories, Mayo Clinic
Classification: Uncertain significance. Last evaluated: 2021-09-20. Review status: criteria provided, single submitter. Criteria: ACMG Guidelines, 2015. Collection method: clinical testing. Allele origin: germline.

Labcorp Genetics (formerly Invitae), Labcorp
Classification: Uncertain significance for Hereditary spastic paraplegia 39. Last evaluated: 2020-03-05. Review status: criteria provided, single submitter. Criteria: Invitae Variant Classification Sherloc (09022015). Collection method: clinical testing. Allele origin: germline.
Comment: In summary, the available evidence is currently insufficient to determine the role of this variant in disease. Therefore, it has been classified as a Variant of Uncertain Significance. Algorithms developed to predict the effect of missense changes on protein structure and function output the following: SIFT: "Tolerated"; PolyPhen-2: "Benign"; Align-GVGD: "Class C0". The serine amino acid residue is found in multiple mammalian species, suggesting that this missense change does not adversely affect protein function. These predictions have not been confirmed by published functional studies and their clinical significance is uncertain. This sequence change replaces alanine with serine at codon 118 of the PNPLA6 protein (p.Ala118Ser). The alanine residue is weakly conserved and there is a moderate physicochemical difference between alanine and serine. The frequency data for this variant in the population databases is considered unreliable, as metrics indicate poor data quality at this position in the ExAC database. This variant has not been reported in the literature in individuals with PNPLA6-related conditions.